The following is an entry in ClinVar:

NM_004168.4(SDHA):c.1755_1759del (p.Lys586fs)

Gene: SDHA (succinate dehydrogenase complex flavoprotein subunit A; plus strand). Cytogenetic location: 5p15.33.
Variant type: Deletion.
Coding change: c.1755_1759del on transcript NM_004168.4 (MANE Select); coding-DNA positions 1755 to 1759, 5 bases deleted (GAAGG; older notation c.1755_1759delGAAGG).
Protein change: p.Lys586fs; shifts the reading frame from lysine 586.
Molecular consequence: frameshift variant. On other transcripts: intron variant (1).
Genome position (GRCh38, 1-based): chr5:251,429-251,433, GAAGG deleted; deleting any 5 consecutive bases within chr5:251,428-251,433 gives the same sequence; the c. name uses the placement nearest the transcript's 3' end. VCF-style (leftmost placement, unchanged base first): chr5-251427-CGGAAG-C. GRCh37 (hg19) VCF-style: chr5-251542-CGGAAG-C.
Other names: c.1611_1615del, p.Lys538fs (NM_001294332.2); c.1552-2964_1552-2960del (NM_001330758.2); short protein forms K538fs, K586fs.
Identifiers: ClinVar variation 1405170 (VCV001405170.7), dbSNP rs1561010916, ClinGen allele CA557102523.

ClinVar aggregate classification (germline): Pathogenic. Review status: criteria provided, multiple submitters, no conflicts (2 of 4 stars). 2 submissions from 2 submitters: Pathogenic (2). Last evaluated 2024-07-03.

Conditions:
Pheochromocytoma/paraganglioma syndrome 5. Also called: Paragangliomas 5; SDHA-Related Hereditary Paraganglioma-Pheochromocytoma Syndrome. Identifiers: Orphanet 29072, MedGen C3279992, MONDO:0013602, OMIM 614165.
Mitochondrial complex II deficiency, nuclear type 1. Also called: SUCCINATE CoQ REDUCTASE DEFICIENCY. Identifiers: Orphanet 3208, MedGen C5700310, MONDO:0100294, OMIM 252011.

Submissions (2):

Myriad Genetics, Inc.
Classification: Pathogenic for Pheochromocytoma/paraganglioma syndrome 5. Last evaluated: 2024-07-03. Review status: criteria provided, single submitter. Criteria: Myriad Autosomal Dominant, Autosomal Recessive and X-Linked Classification Criteria (2023). Collection method: clinical testing. Allele origin: unknown.
Comment: This variant is considered pathogenic. This variant creates a frameshift predicted to result in premature protein truncation.

Labcorp Genetics (formerly Invitae), Labcorp
Classification: Pathogenic for Pheochromocytoma/paraganglioma syndrome 5; Mitochondrial complex II deficiency, nuclear type 1. Last evaluated: 2023-03-28. Review status: criteria provided, single submitter. Criteria: Invitae Variant Classification Sherloc (09022015). Collection method: clinical testing. Allele origin: germline.
Comment: For these reasons, this variant has been classified as Pathogenic. ClinVar contains an entry for this variant (Variation ID: 1405170). This variant has not been reported in the literature in individuals affected with SDHA-related conditions. This variant is present in population databases (no rsID available, gnomAD 0.003%). This sequence change creates a premature translational stop signal (p.Lys586Valfs*15) in the SDHA gene. It is expected to result in an absent or disrupted protein product. Loss-of-function variants in SDHA are known to be pathogenic (PMID: 22974104, 24781757).

Literature cited by the submitters: PubMed 22974104 (cited by Labcorp Genetics (formerly Invitae), Labcorp); PubMed 24781757 (cited by Labcorp Genetics (formerly Invitae), Labcorp).